The following is an entry in ClinVar:

NC_000004.11:g.(?_103446676)_(103488312_?)dup

Gene: NFKB1 (nuclear factor kappa B subunit 1; plus strand). Cytogenetic location: 4q24.
Variant type: Duplication.
Identifiers: ClinVar variation 2424808 (VCV002424808.4).

ClinVar aggregate classification (germline): Uncertain significance (1 of 4 stars; one submission).

Submission:

Labcorp Genetics (formerly Invitae), Labcorp
Classification: Uncertain significance. Last evaluated: 2022-02-13. Review status: criteria provided, single submitter. Criteria: Invitae Variant Classification Sherloc (09022015). Collection method: clinical testing. Allele origin: germline.
Comment: In summary, the available evidence is currently insufficient to determine the role of this variant in disease. Therefore, it has been classified as a Variant of Uncertain Significance. Experimental studies and prediction algorithms are not available or were not evaluated, and the functional significance of this variant is currently unknown. This variant has not been reported in the literature in individuals affected with NFKB1-related conditions. This variant results in a copy number gain of the genomic region encompassing exon(s) 2-6 of the NFKB1 gene. This region includes the initiator codon of the gene. This copy number gain extends beyond the assayed region for this gene and therefore may encompass additional genes. As the precise location of this event is unknown, it may be in tandem or it may be located elsewhere in the genome.